The following is an entry in ClinVar:

NM_000051.4(ATM):c.6797_6798delinsC (p.Lys2266fs)

Genes: ATM (ATM serine/threonine kinase; plus strand), C11orf65 (chromosome 11 open reading frame 65; minus strand). Cytogenetic location: 11q22.3.
Variant type: Indel.
Coding change: c.6797_6798delinsC on transcript NM_000051.4 (MANE Select); coding-DNA positions 6797 to 6798, AG replaced by C.
Protein change: p.Lys2266fs; shifts the reading frame from lysine 2266.
Molecular consequence: frameshift variant. On other transcripts: intron variant (2).
Genome position (GRCh38, 1-based): chr11:108,325,534-108,325,535, AG replaced by C. VCF-style: chr11-108325534-AG-C. GRCh37 (hg19) VCF-style: chr11-108196261-AG-C.
Other names: c.6797_6798delAGinsC, p.Lys2266Thrfs (NM_000051.3); c.6797_6798delinsC, p.Lys2266fs (NM_001351834.2); c.641-16464_641-16463delinsG (NM_001330368.2); c.*38+9685_*38+9686delinsG (NM_001351110.2); short protein forms K2266fs.
Identifiers: ClinVar variation 485180 (VCV000485180.12), dbSNP rs1555119364, ClinGen allele CA658656270.

ClinVar aggregate classification (germline): Pathogenic. Review status: criteria provided, multiple submitters, no conflicts (2 of 4 stars). 2 submissions from 2 submitters: Pathogenic (2). Last evaluated 2025-02-17.

Conditions:
Hereditary cancer-predisposing syndrome. Also called: Neoplastic Syndromes, Hereditary; Hereditary Cancer Syndrome; Tumor predisposition; Hereditary neoplastic syndrome. Identifiers: Orphanet 140162, MedGen C0027672, MeSH D009386, MONDO:0015356.
Ataxia-telangiectasia syndrome (AT). Also called: LOUIS-BAR SYNDROME; Cerebello-oculocutaneous telangiectasia; Immunodeficiency with ataxia telangiectasia; Ataxia-telangiectasia, complementation group D; AT, COMPLEMENTATION GROUP C; Ataxia-telangiectasia, complementation group E. Identifiers: Orphanet 100, MedGen C0004135, MONDO:0008840, OMIM 208900.

Submissions (2):

Labcorp Genetics (formerly Invitae), Labcorp
Classification: Pathogenic for Ataxia-telangiectasia syndrome. Last evaluated: 2025-02-17. Review status: criteria provided, single submitter. Criteria: Invitae Variant Classification Sherloc (09022015). Collection method: clinical testing. Allele origin: germline.
Comment: This sequence change creates a premature translational stop signal (p.Lys2266Thrfs*44) in the ATM gene. It is expected to result in an absent or disrupted protein product. Loss-of-function variants in ATM are known to be pathogenic (PMID: 23807571, 25614872). This variant is not present in population databases (gnomAD no frequency). This variant has not been reported in the literature in individuals affected with ATM-related conditions. For these reasons, this variant has been classified as Pathogenic.

Ambry Genetics
Classification: Pathogenic for Hereditary cancer-predisposing syndrome. Last evaluated: 2016-02-08. Review status: criteria provided, single submitter. Criteria: Ambry Variant Classification Scheme 2023. Collection method: clinical testing. Allele origin: germline.
Comment: The c.6797_6798delAGinsC pathogenic mutation, located in coding exon 45 of the ATM gene, results from the deletion of two nucleotides and insertion of one nucleotide causing a translational frameshift with a predicted alternate stop codon. Since frameshifts are typically deleterious in nature, this alteration is interpreted as a disease-causing mutation (ACMG Recommendations for Standards for Interpretation and Reporting of Sequence Variations. Revision 2007. Genet Med. 2008;10:294).

Literature cited by the submitters: PubMed 23807571 (cited by Labcorp Genetics (formerly Invitae), Labcorp); PubMed 25614872 (cited by Labcorp Genetics (formerly Invitae), Labcorp).